The following is an entry in ClinVar:

ClinVar aggregate classification (germline): Uncertain significance (1 of 4 stars; one submission).

Conditions:
Perlman syndrome (PRLMNS). Identifiers: Orphanet 2849, MedGen C0796113, MONDO:0009965, OMIM 267000.

Submission:

Labcorp Genetics (formerly Invitae), Labcorp
Classification: Uncertain significance for Perlman syndrome. Last evaluated: 2022-06-04. Review status: criteria provided, single submitter. Criteria: Invitae Variant Classification Sherloc (09022015). Collection method: clinical testing. Allele origin: germline.
Comment: This sequence change replaces glutamine, which is neutral and polar, with arginine, which is basic and polar, at codon 318 of the DIS3L2 protein (p.Gln318Arg). This variant is not present in population databases (gnomAD no frequency). This variant has not been reported in the literature in individuals affected with DIS3L2-related conditions. ClinVar contains an entry for this variant (Variation ID: 410773). Algorithms developed to predict the effect of missense changes on protein structure and function (SIFT, PolyPhen-2, Align-GVGD) all suggest that this variant is likely to be tolerated. Algorithms developed to predict the effect of sequence changes on RNA splicing suggest that this variant may disrupt the consensus splice site. In summary, the available evidence is currently insufficient to determine the role of this variant in disease. Therefore, it has been classified as a Variant of Uncertain Significance.

NM_152383.5(DIS3L2):c.953A>G (p.Gln318Arg)

Gene: DIS3L2 (DIS3 like 3'-5' exoribonuclease 2; plus strand). Cytogenetic location: 2q37.1.
Variant type: single nucleotide variant.
Coding change: c.953A>G on transcript NM_152383.5 (MANE Select); coding-DNA position 953, A replaced by G.
Protein change: p.Gln318Arg; replaces glutamine 318 with arginine.
Molecular consequence: missense variant. On other transcripts: non-coding transcript variant (2).
Genome position (GRCh38, 1-based): chr2:232,163,461, A>G. VCF-style: chr2-232163461-A-G. GRCh37 (hg19) VCF-style: chr2-233028171-A-G.
Other names: c.953A>G, p.Gln318Arg (NM_001257281.2); short protein forms Q318R.
Identifiers: ClinVar variation 410773 (VCV000410773.10), dbSNP rs1060503038, ClinGen allele CA16610727.